The following is an entry in ClinVar:

ClinVar aggregate classification (germline): Likely pathogenic. Review status: criteria provided, single submitter (1 of 4 stars). 3 submissions from 2 submitters: Likely pathogenic (1). 2 of the submissions do not count toward it. Last evaluated 2022-08-12.

Conditions:
G6PD ALHAMBRA.
Anemia, nonspherocytic hemolytic, due to G6PD deficiency (CNSHA1). Also called: ANEMIA, CONGENITAL, NONSPHEROCYTIC HEMOLYTIC, 1; Class I glucose-6-phosphate dehydrogenase deficiency; Favism, susceptibility to; Hemolytic anemia due to G6PD deficiency. Identifiers: Orphanet 466026, MedGen C2720289, MONDO:0010480, OMIM 300908.

Submissions (3):

Dunham Lab, University of Washington
Classification: Likely pathogenic for Anemia, nonspherocytic hemolytic, due to G6PD deficiency. Last evaluated: 2022-08-12. Review status: criteria provided, single submitter. Criteria: Bayesian ACMG Guidelines, 2018. Collection method: curation. Allele origin: unknown. Affected: yes.
Comment: Decreased activity in red blood cells (10-25%) (PS3). Alters dimerization domain (PM1). Not found in gnomAD (PM2). Post_P 0.988 (odds of pathogenicity 729.3, Prior_P 0.1).

OMIM
Classification: other for G6PD ALHAMBRA. Last evaluated: 2024-10-11. Review status: no assertion criteria provided. Collection method: literature only. Allele origin: germline. Not counted in ClinVar's aggregate classification.

OMIM
Classification: Pathogenic for ANEMIA, CONGENITAL, NONSPHEROCYTIC HEMOLYTIC, 1. Last evaluated: 2024-10-11. Review status: no assertion criteria provided. Collection method: literature only. Allele origin: germline. Not counted in ClinVar's aggregate classification.

Literature cited by the submitters: PubMed 5413384 (cited by Dunham Lab, University of Washington); PubMed 1611091 (cited by Dunham Lab, University of Washington); PubMed 31294066 (cited by Dunham Lab, University of Washington); Beutler, E. Glucose 6-phosphate dehydrogenase deficiency, a new Indian variant, G6PD Jammu. In: Sen, N. N., Basu, A. K. (eds.) Trends in Haematology. Calcutta: Chatterjea Memorial Committee (pub.) 279-283, 1975. (cited by OMIM); PubMed 6344088 (cited by OMIM).

NM_000402.4(G6PD):c.1270G>C (p.Val424Leu)

Gene: G6PD (glucose-6-phosphate dehydrogenase; minus strand). Cytogenetic location: Xq28.
Variant type: single nucleotide variant.
Coding change: c.1270G>C on transcript NM_000402.4; coding-DNA position 1270, G replaced by C.
Protein change: p.Val424Leu; replaces valine 424 with leucine.
Molecular consequence: missense variant.
Genome position (GRCh38, 1-based): chrX:154,532,674, C>G on the plus strand (G>C on the coding strand, the complement: G6PD is on the minus strand). VCF-style: chrX-154532674-C-G. GRCh37 (hg19) VCF-style: chrX-153760889-C-G.
Other names: G6PD, VAL394LEU; G6PD Alhambra; c.1180G>C, p.Val394Leu (NM_001042351.3, NM_001360016.2); short protein forms V394L, V424L.
Identifiers: ClinVar variation 10397 (VCV000010397.5), dbSNP rs137852335, ClinGen allele CA121008.
Genomic context (GRCh38, chrX:154,532,674, plus strand): 5'-TGAAGAACATGCCCGGCTTCTTGGTCATCATCTTGGTGTACACGGCCTCGTTGGGCTGCA[C>G]GCGGATCACCAGCTCGTTGCGCTTGCACTGCTGGTGGAAGATGTCGCCGGCCACATCATG-3'